The following is an entry in ClinVar:

ClinVar aggregate classification (germline): Uncertain significance. Review status: criteria provided, multiple submitters, no conflicts (2 of 4 stars). 2 submissions from 2 submitters: Uncertain significance (2). Last evaluated 2024-02-12.

Conditions:
Cardiovascular phenotype. Identifiers: MedGen CN230736.
Catecholaminergic polymorphic ventricular tachycardia (CVPT). Also called: Catecholamine-induced polymorphic ventricular tachycardia. Identifiers: Orphanet 3286, MedGen C5574922, MONDO:0017990.

Allele frequency attached by ClinVar (database versions not stated): gnomAD exomes below 0.00001.
gnomAD v4.1: 4 of 1,605,186 alleles (0.00025%); highest among the groups gnomAD compares: Non-Finnish European, 0.00034%; no homozygotes.

Submissions (2):

Ambry Genetics
Classification: Uncertain significance for Cardiovascular phenotype. Last evaluated: 2024-02-12. Review status: criteria provided, single submitter. Criteria: Ambry Variant Classification Scheme 2023. Collection method: clinical testing. Allele origin: germline.
Comment: The p.G2182E variant (also known as c.6545G>A), located in coding exon 42 of the RYR2 gene, results from a G to A substitution at nucleotide position 6545. The glycine at codon 2182 is replaced by glutamic acid, an amino acid with similar properties. This amino acid position is highly conserved in available vertebrate species. In addition, this alteration is predicted to be deleterious by in silico analysis. Based on the available evidence, the clinical significance of this alteration remains unclear.

All of Us Research Program, National Institutes of Health
Classification: Uncertain significance for Catecholaminergic polymorphic ventricular tachycardia. Last evaluated: 2023-05-31. Review status: criteria provided, single submitter. Criteria: ACMG Guidelines, 2015. Collection method: clinical testing. Allele origin: germline. Inheritance: Autosomal dominant inheritance. Observed: 1 variant allele, 1 heterozygote.
Comment: This study involves interpretation of variants in research participants for the purpose of population health screening. Participant phenotype was not available at the time of variant classification. Additional details can be found in publication PMID: 35346344, PMCID: PMC8962531

NM_001035.3(RYR2):c.6545G>A (p.Gly2182Glu)

Gene: RYR2 (ryanodine receptor 2; plus strand). Cytogenetic location: 1q43.
Variant type: single nucleotide variant.
Coding change: c.6545G>A on transcript NM_001035.3 (MANE Select); coding-DNA position 6545, G replaced by A.
Protein change: p.Gly2182Glu; replaces glycine 2182 with glutamic acid.
Molecular consequence: missense variant.
Genome position (GRCh38, 1-based): chr1:237,631,531, G>A. VCF-style: chr1-237631531-G-A. GRCh37 (hg19) VCF-style: chr1-237794831-G-A.
Other names: c.6545G>A (NM_001035.2); short protein forms G2182E.
Identifiers: ClinVar variation 3071411 (VCV003071411.2), dbSNP rs2546907423, ClinGen allele CA345413360.